The following is an entry in ClinVar:

NM_001370259.2(MEN1):c.1516dup (p.Thr506fs)

Gene: MEN1 (menin 1; minus strand). Cytogenetic location: 11q13.1.
Variant type: Duplication.
Coding change: c.1516dup on transcript NM_001370259.2 (MANE Select); coding-DNA position 1516, one base duplicated (A; older notation c.1516dupA).
Protein change: p.Thr506fs; shifts the reading frame from threonine 506.
Molecular consequence: frameshift variant. On other transcripts: non-coding transcript variant (4).
Genome position (GRCh38, 1-based): chr11:64,804,651, T duplicated on the plus strand (A on the coding strand, the reverse complement: MEN1 is on the minus strand). VCF-style (leftmost placement, unchanged base first): chr11-64804650-G-GT. GRCh37 (hg19) VCF-style: chr11-64572122-G-GT.
Other names: c.1531dup, p.Thr511fs (NM_000244.4, NM_001407145.1, NM_130800.3 and 4 more transcripts); c.1642dup, p.Thr548fs (NM_001370251.2, NM_001407142.1, NM_001407143.1 and 1 more transcripts); c.1516dup, p.Thr506fs (NM_001370260.2, NM_001370261.2, NM_001407146.1 and 2 more transcripts); c.1411dup, p.Thr471fs (NM_001370262.2, NM_001370263.2, NM_001407148.1 and 1 more transcripts); c.1657dup, p.Thr553fs (NM_001407150.1); c.1537dup, p.Thr513fs (NM_001407151.1); c.1351dup, p.Thr451fs (NM_001407152.1); c.1516dupA (NM_130799.2); short protein forms T511fs, T553fs, T451fs, T471fs, T548fs, T506fs, T513fs.
Identifiers: ClinVar variation 3872254 (VCV003872254.1).
Genomic context (GRCh38, chr11:64,804,650, plus strand): 5'-GCTGTGCCAGCGACAGTCCCAGGAGGCTTCCGGGGGGGTCCTGACACTGCACCCTGGCCG[G>GT]TGCCCAGGCCCTTGTCCAGTGCTGGCTTCTTGGGCGGCGGGGGCTCCTCTGGCTTGGACT-3'

ClinVar aggregate classification (germline): Pathogenic (1 of 4 stars; one submission).

Conditions:
Hereditary cancer-predisposing syndrome. Also called: Tumor predisposition; Neoplastic Syndromes, Hereditary; Hereditary Cancer Syndrome; Hereditary neoplastic syndrome. Identifiers: Orphanet 140162, MedGen C0027672, MeSH D009386, MONDO:0015356.

Submission:

Ambry Genetics
Classification: Pathogenic for Hereditary cancer-predisposing syndrome. Last evaluated: 2025-02-20. Review status: criteria provided, single submitter. Criteria: Ambry Variant Classification Scheme 2023. Collection method: clinical testing. Allele origin: germline.
Comment: The c.1516dupA pathogenic mutation, located in coding exon 9 of the MEN1 gene, results from a duplication of A at nucleotide position 1516, causing a translational frameshift with a predicted alternate stop codon (p.T506Nfs*25). This variant was reported in individual(s) with features consistent with Multiple endocrine neoplasia type 1 (Odou MF et al. Ann Endocrinol (Paris), 2006 Dec;67:581-7). This variant is considered to be rare based on population cohorts in the Genome Aggregation Database (gnomAD). This alteration is expected to result in loss of function by premature protein truncation or nonsense-mediated mRNA decay. As such, this alteration is interpreted as a disease-causing mutation.

Literature cited by the submitters: PubMed 17194968.